The following is an entry in ClinVar:

ClinVar aggregate classification (germline): Uncertain significance (1 of 4 stars; one submission).

Conditions:
Ehlers-Danlos syndrome, musculocontractural type 2 (EDSMC2). Identifiers: Orphanet 2953, MedGen C3809845, MONDO:0014236, OMIM 615539.

Allele frequency attached by ClinVar (database versions not stated): TOPMed 0.00001.
gnomAD v4.1: 4 of 1,613,976 alleles (0.00025%); highest among the groups gnomAD compares: African/African-American, 0.0027%; no homozygotes.

Submission:

Labcorp Genetics (formerly Invitae), Labcorp
Classification: Uncertain significance for Ehlers-Danlos syndrome, musculocontractural type 2. Last evaluated: 2023-05-22. Review status: criteria provided, single submitter. Criteria: Invitae Variant Classification Sherloc (09022015). Collection method: clinical testing. Allele origin: germline.
Comment: In summary, the available evidence is currently insufficient to determine the role of this variant in disease. Therefore, it has been classified as a Variant of Uncertain Significance. An algorithm developed to predict the effect of missense changes on protein structure and function (PolyPhen-2) suggests that this variant is likely to be tolerated. ClinVar contains an entry for this variant (Variation ID: 1931858). This variant has not been reported in the literature in individuals affected with DSE-related conditions. This variant is present in population databases (rs762120249, gnomAD 0.007%). This sequence change replaces arginine, which is basic and polar, with glycine, which is neutral and non-polar, at codon 716 of the DSE protein (p.Arg716Gly).

NM_013352.4(DSE):c.2146C>G (p.Arg716Gly)

Gene: DSE (dermatan sulfate epimerase; plus strand). Cytogenetic location: 6q22.1.
Variant type: single nucleotide variant.
Coding change: c.2146C>G on transcript NM_013352.4 (MANE Select); coding-DNA position 2146, C replaced by G.
Protein change: p.Arg716Gly; replaces arginine 716 with glycine.
Molecular consequence: missense variant. On other transcripts: 3 prime UTR variant (2), non-coding transcript variant (1).
Genome position (GRCh38, 1-based): chr6:116,436,614, C>G. VCF-style: chr6-116436614-C-G. GRCh37 (hg19) VCF-style: chr6-116757777-C-G.
Other names: c.2146C>G, p.Arg716Gly (NM_001080976.3, NM_001322937.2, NM_001322938.2); c.2203C>G, p.Arg735Gly (NM_001322939.2); c.1585C>G, p.Arg529Gly (NM_001322940.2, NM_001322941.2); c.*1011C>G (NM_001322943.2, NM_001322944.2); c.1147C>G, p.Arg383Gly (NM_001374520.1); c.1111C>G, p.Arg371Gly (NM_001374521.1); short protein forms R371G, R383G, R735G, R716G, R529G.
Identifiers: ClinVar variation 1931858 (VCV001931858.5), dbSNP rs762120249, ClinGen allele CA3969767.
Genomic context (GRCh38, chr6:116,436,614, plus strand): 5'-ACATACCTGTGGACAGGTGAGGCCACAGGACAGTCTGCCTTTGCACAGGTCATTGCTGAT[C>G]GTCACAAAATTCTGTTTGACCGGAATTCAGCCATCAAGAGCAGCATTGTCCCTGAGGTGA-3'
Protein context (NP_037484.1, residues 706-726): QSAFAQVIAD[Arg716Gly]HKILFDRNSA